The following is an entry in ClinVar:

NM_177433.3(MAGED2):c.1271+1G>A

Gene: MAGED2 (MAGE family member D2; plus strand). Cytogenetic location: Xp11.21.
Variant type: single nucleotide variant.
Coding change: c.1271+1G>A on transcript NM_177433.3 (MANE Select); the canonical splice donor site of the intron after coding-DNA position 1271, G replaced by A.
Molecular consequence: splice donor variant.
Genome position (GRCh38, 1-based): chrX:54,813,551, G>A. VCF-style: chrX-54813551-G-A. GRCh37 (hg19) VCF-style: chrX-54839984-G-A.
Other names: c.1271+1G>A (NM_014599.6, NM_201222.3).
Identifiers: ClinVar variation 4710851 (VCV004710851.1).

ClinVar aggregate classification (germline): Likely pathogenic (1 of 4 stars; one submission).

Submission:

Labcorp Genetics (formerly Invitae), Labcorp
Classification: Likely pathogenic. Last evaluated: 2025-05-27. Review status: criteria provided, single submitter. Criteria: Invitae Variant Classification Sherloc (09022015). Collection method: clinical testing. Allele origin: germline.
Comment: This sequence change affects a donor splice site in intron 10 of the MAGED2 gene. It is expected to disrupt RNA splicing. Variants that disrupt the donor or acceptor splice site typically lead to a loss of protein function (PMID: 16199547), and loss-of-function variants in MAGED2 are known to be pathogenic (PMID: 27120771). This variant is not present in population databases (gnomAD no frequency). Disruption of this splice site has been observed in individual(s) with Bartter syndrome (PMID: 29146702). Algorithms developed to predict the effect of sequence changes on RNA splicing suggest that this variant may disrupt the consensus splice site. In summary, the currently available evidence indicates that the variant is pathogenic, but additional data are needed to prove that conclusively. Therefore, this variant has been classified as Likely Pathogenic.

Literature cited by the submitters: PubMed 16199547; PubMed 27120771; PubMed 29146702.